The following is an entry in ClinVar:

ClinVar aggregate classification (germline): Uncertain significance. Review status: criteria provided, multiple submitters, no conflicts (2 of 4 stars). 2 submissions from 2 submitters: Uncertain significance (2). Last evaluated 2023-12-29.

Conditions:
Hereditary cancer-predisposing syndrome. Also called: Hereditary neoplastic syndrome; Neoplastic Syndromes, Hereditary; Hereditary Cancer Syndrome; Tumor predisposition. Identifiers: Orphanet 140162, MedGen C0027672, MeSH D009386, MONDO:0015356.

Submissions (2):

Ambry Genetics
Classification: Uncertain significance for Hereditary cancer-predisposing syndrome. Last evaluated: 2023-12-29. Review status: criteria provided, single submitter. Criteria: Ambry Variant Classification Scheme 2023. Collection method: clinical testing. Allele origin: germline.
Comment: The p.N518I variant (also known as c.1553A>T), located in coding exon 15 of the POLE gene, results from an A to T substitution at nucleotide position 1553. The asparagine at codon 518 is replaced by isoleucine, an amino acid with dissimilar properties. This amino acid position is conserved. In addition, the in silico prediction for this alteration is inconclusive. Since supporting evidence is limited at this time, the clinical significance of this alteration remains unclear.

Labcorp Genetics (formerly Invitae), Labcorp
Classification: Uncertain significance. Last evaluated: 2023-12-19. Review status: criteria provided, single submitter. Criteria: Invitae Variant Classification Sherloc (09022015). Collection method: clinical testing. Allele origin: germline.
Comment: This sequence change replaces asparagine, which is neutral and polar, with isoleucine, which is neutral and non-polar, at codon 518 of the POLE protein (p.Asn518Ile). This variant is not present in population databases (gnomAD no frequency). This variant has not been reported in the literature in individuals affected with POLE-related conditions. Advanced modeling of protein sequence and biophysical properties (such as structural, functional, and spatial information, amino acid conservation, physicochemical variation, residue mobility, and thermodynamic stability) performed at Invitae indicates that this missense variant is expected to disrupt POLE protein function with a positive predictive value of 80%. In summary, the available evidence is currently insufficient to determine the role of this variant in disease. Therefore, it has been classified as a Variant of Uncertain Significance.

NM_006231.4(POLE):c.1553A>T (p.Asn518Ile)

Gene: POLE (DNA polymerase epsilon, catalytic subunit; minus strand). Cytogenetic location: 12q24.33.
Variant type: single nucleotide variant.
Coding change: c.1553A>T on transcript NM_006231.4 (MANE Select); coding-DNA position 1553, A replaced by T.
Protein change: p.Asn518Ile; replaces asparagine 518 with isoleucine.
Molecular consequence: missense variant.
Genome position (GRCh38, 1-based): chr12:132,672,760, T>A on the plus strand (A>T on the coding strand, the complement: POLE is on the minus strand). VCF-style: chr12-132672760-T-A. GRCh37 (hg19) VCF-style: chr12-133249346-T-A.
Other names: c.1553A>T (NM_006231.2); short protein forms N518I.
Identifiers: ClinVar variation 2704336 (VCV002704336.4), dbSNP rs553123678, ClinGen allele CA387357160.